The following is an entry in ClinVar:

NM_001267550.2(TTN):c.106267G>T (p.Val35423Phe)

Genes: TTN (titin; minus strand), TTN-AS1 (TTN antisense RNA 1; plus strand). Cytogenetic location: 2q31.2.
Variant type: single nucleotide variant.
Coding change: c.106267G>T on transcript NM_001267550.2 (MANE Select); coding-DNA position 106267, G replaced by T.
Protein change: p.Val35423Phe; replaces valine 35423 with phenylalanine.
Molecular consequence: missense variant.
Genome position (GRCh38, 1-based): chr2:178,530,348, C>A on the plus strand (G>T on the coding strand, the complement: TTN is on the minus strand). VCF-style: chr2-178530348-C-A. GRCh37 (hg19) VCF-style: chr2-179395075-C-A.
Other names: p.V33782F:GTT>TTT; c.101344G>T, p.Val33782Phe (NM_001256850.1); c.79072G>T, p.Val26358Phe (NM_003319.4); c.98563G>T, p.Val32855Phe (NM_133378.4); c.79447G>T, p.Val26483Phe (NM_133432.3); c.79648G>T, p.Val26550Phe (NM_133437.4); short protein forms V33782F, V35423F, V26358F, V32855F, V26483F, V26550F.
Identifiers: ClinVar variation 203105 (VCV000203105.9), dbSNP rs763752622, ClinGen allele CA311255.
Genomic context (GRCh38, chr2:178,530,348, plus strand): 5'-CCTTAACTGCAAATTTAGCAACACTGTCTGAAGAAACAGTTGTATCCTGCAACCCAGTAA[C>A]AATTACTGGTTTTGAGGAAATTGGTTCAGGAGCTTTTGGTTCAGTTTTTCTGGTTACTGT-3'
Protein context (NP_001254479.2, residues 35413-35433): PEPISSKPVI[Val35423Phe]TGLQDTTVSS

ClinVar aggregate classification (germline): Uncertain significance. Review status: criteria provided, multiple submitters, no conflicts (2 of 4 stars). 8 submissions from 4 submitters: Uncertain significance (8). Last evaluated 2026-09-14.

Conditions:
TTN-related disorder. Also called: TTN-related condition; TTN-related disease; TTN-related disorders.
Tibial muscular dystrophy (TMD). Also called: Tibial muscular dystrophy, tardive; Udd Distal Myopathy – Tibial Muscular Dystrophy; UDD MYOPATHY. Identifiers: Orphanet 609, MedGen C1838244, MONDO:0010870, OMIM 600334.
Dilated cardiomyopathy 1G (CMD1G). Identifiers: Orphanet 154, MedGen C1858763, MONDO:0011400, OMIM 604145.
Early-onset myopathy with fatal cardiomyopathy (CMYO5). Also called: Salih Myopathy; CONGENITAL MYOPATHY 5 WITH CARDIOMYOPATHY. Identifiers: Orphanet 289377, MedGen C2673677, MONDO:0012714, OMIM 611705. Disease mechanism: loss of function.
Myopathy, myofibrillar, 9, with early respiratory failure (MFM9). Also called: Myopathy, distal, with early respiratory failure, autosomal dominant; MYOPATHY, PROXIMAL, WITH EARLY RESPIRATORY MUSCLE INVOLVEMENT; Hereditary myopathy with early respiratory failure; EDSTROM MYOPATHY. Identifiers: Orphanet 178464, Orphanet 34521, MedGen C1863599, MONDO:0011362, OMIM 603689.
Autosomal recessive limb-girdle muscular dystrophy type 2J (LGMDR10). Also called: Limb-girdle muscular dystrophy, type 2J; MUSCULAR DYSTROPHY, LIMB-GIRDLE, AUTOSOMAL RECESSIVE 10. Identifiers: Orphanet 140922, MedGen C1837342, MONDO:0012127, OMIM 608807.

Allele frequency attached by ClinVar (database versions not stated): ExAC 0.00001; gnomAD exomes 0.00001; gnomAD 0.00005 and 0.00006; TOPMed 0.00005.
gnomAD v4.1: 15 of 1,613,804 alleles (0.00093%); highest among the groups gnomAD compares: African/African-American, 0.004%; no homozygotes.

Submissions (8):

PreventionGenetics, part of Exact Sciences
Classification: Uncertain significance for TTN-related condition. Last evaluated: 2026-09-14. Review status: criteria provided, single submitter. Criteria: ACMG Guidelines, 2015. Collection method: clinical testing. Allele origin: germline.
Comment: The TTN c.106267G>T variant is predicted to result in the amino acid substitution p.Val35423Phe. To our knowledge, this variant has not been reported in the literature. This variant is reported in 0.0065% of alleles in individuals of African descent in gnomAD. At this time, the clinical significance of this variant is uncertain due to the absence of conclusive functional and genetic evidence.

Revvity Omics, Revvity
Classification: Uncertain significance. Last evaluated: 2023-04-26. Review status: criteria provided, single submitter. Criteria: ACMG Guidelines, 2015. Collection method: clinical testing. Allele origin: germline.

Illumina Laboratory Services, Illumina
Classification: Uncertain significance for Autosomal recessive limb-girdle muscular dystrophy type 2J. Last evaluated: 2018-01-15. Review status: criteria provided, single submitter. Criteria: ICSL Variant Classification Criteria 13 December 2019. Collection method: clinical testing. Allele origin: germline.

Illumina Laboratory Services, Illumina
Classification: Uncertain significance for Dilated cardiomyopathy 1G. Last evaluated: 2018-01-15. Review status: criteria provided, single submitter. Criteria: ICSL Variant Classification Criteria 13 December 2019. Collection method: clinical testing. Allele origin: germline.

Illumina Laboratory Services, Illumina
Classification: Uncertain significance for Early-onset myopathy with fatal cardiomyopathy. Last evaluated: 2018-01-15. Review status: criteria provided, single submitter. Criteria: ICSL Variant Classification Criteria 13 December 2019. Collection method: clinical testing. Allele origin: germline.

Illumina Laboratory Services, Illumina
Classification: Uncertain significance for Myopathy, myofibrillar, 9, with early respiratory failure. Last evaluated: 2018-01-15. Review status: criteria provided, single submitter. Criteria: ICSL Variant Classification Criteria 13 December 2019. Collection method: clinical testing. Allele origin: germline.

Illumina Laboratory Services, Illumina
Classification: Uncertain significance for Tibial muscular dystrophy. Last evaluated: 2018-01-15. Review status: criteria provided, single submitter. Criteria: ICSL Variant Classification Criteria 13 December 2019. Collection method: clinical testing. Allele origin: germline.

GeneDx
Classification: Uncertain significance. Last evaluated: 2016-10-31. Review status: criteria provided, single submitter. Criteria: GeneDx Variant Classification (06012015). Collection method: clinical testing. Allele origin: germline. Affected: yes.
Comment: Missense variants in the TTN gene are considered 'unclassified' if they are not previously reported in the literature and do not have >1% frequency in the population to be considered a polymorphism. Research indicates that truncating mutations in the TTN gene are expected to account for approximately 25% of familial and 18% of sporadic idiopathic DCM; however, truncating variants in the TTN gene have been reported in approximately 3% of reported control alleles. There has been little investigation into non-truncating variants. (Herman D et al. Truncations of titin causing dilated cardiomyopathy. N Eng J Med 366:619-628, 2012) The variant is found in CARDIOMYOPATHY panel(s).